The following is an entry in ClinVar:

NM_001039958.2(MESP2):c.533del (p.Glu178fs)

Gene: MESP2 (mesoderm posterior bHLH transcription factor 2; plus strand). Cytogenetic location: 15q26.1.
Variant type: Deletion.
Coding change: c.533del on transcript NM_001039958.2 (MANE Select); coding-DNA position 533, one base deleted (A; older notation c.533delA).
Protein change: p.Glu178fs; shifts the reading frame from glutamic acid 178.
Molecular consequence: frameshift variant.
Genome position (GRCh38, 1-based): chr15:89,776,890, A deleted. VCF-style (leftmost placement, unchanged base first): chr15-89776889-GA-G. GRCh37 (hg19) VCF-style: chr15-90320120-GA-G.
Other names: short protein forms E178fs.
Identifiers: ClinVar variation 4814567 (VCV004814567.1).
Genomic context (GRCh38, chr15:89,776,889, plus strand): 5'-TCCCCTTGGGGCTGCCCGCTGTGCCCCGACCGTGGCCCCGCAGAGGCGCAGACGCAGGCG[GA>G]GGGGCAGGGGCAAGGGCAGGGGCAGGGGCAGGGGCAAGGGCAGGGGCAAGGACAGGGGCA-3'

ClinVar aggregate classification (germline): Likely pathogenic (1 of 4 stars; one submission).

Conditions:
Spondylocostal dysostosis 2, autosomal recessive (SCDO2). Also called: MESP2-Related Spondylocostal Dysostosis, Autosomal Recessive; Spondylocostal dysostosis type 2. Identifiers: Orphanet 2311, MedGen C1837549, MONDO:0012097, OMIM 608681.

Submission:

Natera, Inc.
Classification: Likely pathogenic for Spondylocostal dysostosis type 2. Last evaluated: 2026-01-26. Review status: criteria provided, single submitter. Criteria: Natera Variant Classification Schema (03/2026). Collection method: clinical testing. Allele origin: germline.
Comment: The c.533delA variant in MESP2 is a frameshift variant predicted to elongate the protein beyond the termination codon. This variant is expected to result in nonsense mediated decay, truncation, or a dysfunctional protein product. This variant is rare in the general population with a frequency below the threshold expected for the associated phenotype(s). Given the available evidence, this variant is classified as Likely Pathogenic.